The following is an entry in ClinVar:

NM_000787.4(DBH):c.1172C>A (p.Thr391Lys)

Gene: DBH (dopamine beta-hydroxylase; plus strand). Cytogenetic location: 9q34.2.
Variant type: single nucleotide variant.
Coding change: c.1172C>A on transcript NM_000787.4 (MANE Select); coding-DNA position 1172, C replaced by A.
Protein change: p.Thr391Lys; replaces threonine 391 with lysine.
Molecular consequence: missense variant.
Genome position (GRCh38, 1-based): chr9:133,647,993, C>A. VCF-style: chr9-133647993-C-A. GRCh37 (hg19) VCF-style: chr9-136513115-C-A.
Other names: c.1172C>A (NM_000787.3); short protein forms T391K.
Identifiers: ClinVar variation 1023979 (VCV001023979.10), dbSNP rs138015991, ClinGen allele CA5313340.

ClinVar aggregate classification (germline): Uncertain significance. Review status: criteria provided, multiple submitters, no conflicts (2 of 4 stars). 2 submissions from 2 submitters: Uncertain significance (2). Last evaluated 2024-03-18.

Conditions:
Inborn genetic diseases. Identifiers: MedGen C0950123, MeSH D030342.
Orthostatic hypotension 1 (ORTHYP1). Also called: Dopamine beta-hydroxylase deficiency; Orthostatic hypotension 1, due to DBH deficiency; NORADRENALINE DEFICIENCY; NOREPINEPHRINE DEFICIENCY. Identifiers: Orphanet 230, MedGen C4746777, MONDO:0009123, OMIM 223360.

Allele frequency attached by ClinVar (database versions not stated): TOPMed 0.00005.
gnomAD v4.1: 17 of 1,612,820 alleles (0.0011%); highest among the groups gnomAD compares: East Asian, 0.036%; no homozygotes.

Submissions (2):

Ambry Genetics
Classification: Uncertain significance for Inborn genetic diseases. Last evaluated: 2024-03-18. Review status: criteria provided, single submitter. Criteria: Ambry Variant Classification Scheme 2023. Collection method: clinical testing. Allele origin: germline.

Labcorp Genetics (formerly Invitae), Labcorp
Classification: Uncertain significance for Orthostatic hypotension 1. Last evaluated: 2021-03-31. Review status: criteria provided, single submitter. Criteria: Invitae Variant Classification Sherloc (09022015). Collection method: clinical testing. Allele origin: germline.
Comment: In summary, the available evidence is currently insufficient to determine the role of this variant in disease. Therefore, it has been classified as a Variant of Uncertain Significance. Algorithms developed to predict the effect of sequence changes on RNA splicing suggest that this variant may create or strengthen a splice site, but this prediction has not been confirmed by published transcriptional studies. Algorithms developed to predict the effect of missense changes on protein structure and function are either unavailable or do not agree on the potential impact of this missense change (SIFT: "Tolerated"; PolyPhen-2: "Probably Damaging"; Align-GVGD: "Class C0"). This variant has not been reported in the literature in individuals with DBH-related conditions. This variant is present in population databases (rs138015991, ExAC 0.1%). This sequence change replaces threonine with lysine at codon 391 of the DBH protein (p.Thr391Lys). The threonine residue is moderately conserved and there is a moderate physicochemical difference between threonine and lysine.